The following is an entry in ClinVar:

ClinVar aggregate classification (germline): Uncertain significance. Review status: criteria provided, multiple submitters, no conflicts (2 of 4 stars). 2 submissions from 2 submitters: Uncertain significance (2). Last evaluated 2024-01-03.

Conditions:
Maple syrup urine disease (MSUD). Identifiers: Orphanet 511, MedGen C0024776, MeSH D008375, MONDO:0009563. Disease mechanism: loss of function.

Allele frequency attached by ClinVar (database versions not stated): TOPMed 0.00006.
gnomAD v4.1: 3 of 1,614,184 alleles (0.00019%); highest among the groups gnomAD compares: African/African-American, 0.0013%; no homozygotes.

Submissions (2):

GeneDx
Classification: Uncertain significance. Last evaluated: 2024-01-03. Review status: criteria provided, single submitter. Criteria: GeneDx Variant Classification Process June 2021. Collection method: clinical testing. Allele origin: germline. Affected: yes.
Comment: Not observed at significant frequency in large population cohorts (gnomAD); In silico analysis supports that this missense variant does not alter protein structure/function; Has not been previously published as pathogenic or benign to our knowledge

Labcorp Genetics (formerly Invitae), Labcorp
Classification: Uncertain significance for Maple syrup urine disease. Last evaluated: 2021-09-01. Review status: criteria provided, single submitter. Criteria: Invitae Variant Classification Sherloc (09022015). Collection method: clinical testing. Allele origin: germline.
Comment: This sequence change replaces alanine with threonine at codon 2 of the DBT protein (p.Ala2Thr). The alanine residue is moderately conserved and there is a small physicochemical difference between alanine and threonine. This variant is not present in population databases (ExAC no frequency). This variant has not been reported in the literature in individuals affected with DBT-related conditions. Algorithms developed to predict the effect of missense changes on protein structure and function are either unavailable or do not agree on the potential impact of this missense change (SIFT: "Deleterious"; PolyPhen-2: "Possibly Damaging"; Align-GVGD: "Class C0"). In summary, the available evidence is currently insufficient to determine the role of this variant in disease. Therefore, it has been classified as a Variant of Uncertain Significance.

NM_001918.5(DBT):c.4G>A (p.Ala2Thr)

Gene: DBT (dihydrolipoamide branched chain transacylase E2; minus strand). Cytogenetic location: 1p21.2.
Variant type: single nucleotide variant.
Coding change: c.4G>A on transcript NM_001918.5 (MANE Select); coding-DNA position 4, G replaced by A.
Protein change: p.Ala2Thr; replaces alanine 2 with threonine.
Molecular consequence: missense variant.
Genome position (GRCh38, 1-based): chr1:100,249,817, C>T on the plus strand (G>A on the coding strand, the complement: DBT is on the minus strand). VCF-style: chr1-100249817-C-T. GRCh37 (hg19) VCF-style: chr1-100715373-C-T.
Other names: c.4G>A (NM_001918.2); short protein forms A2T.
Identifiers: ClinVar variation 948506 (VCV000948506.8), dbSNP rs760664814, ClinGen allele CA27605223.